The following is an entry in ClinVar:

NM_006267.5(RANBP2):c.7224T>C (p.Asp2408=)

Gene: RANBP2 (RAN binding protein 2; plus strand). Cytogenetic location: 2q13.
Variant type: single nucleotide variant.
Coding change: c.7224T>C on transcript NM_006267.5 (MANE Select); coding-DNA position 7224, T replaced by C.
Protein change: p.Asp2408=; no amino-acid change (aspartic acid 2408 retained).
Molecular consequence: synonymous variant.
Genome position (GRCh38, 1-based): chr2:108,767,763, T>C. VCF-style: chr2-108767763-T-C. GRCh37 (hg19) VCF-style: chr2-109384219-T-C.
Other names: c.7224T>C, p.Asp2408= (NM_001415871.1, NM_001415873.1); c.7221T>C, p.Asp2407= (NM_001415872.1).
Identifiers: ClinVar variation 3025531 (VCV003025531.22), dbSNP rs2467644133, ClinGen allele CA428202980.

ClinVar aggregate classification (germline): Likely benign (1 of 4 stars; one submission).

Submission:

CeGaT Center for Human Genetics Tuebingen
Classification: Likely benign. Last evaluated: 2023-12-01. Review status: criteria provided, single submitter. Criteria: CeGaT Center For Human Genetics Tuebingen Variant Classification Criteria Version 2. Collection method: clinical testing. Allele origin: germline. Affected: yes. Observed: 1 variant allele.
Comment: RANBP2: PM2:Supporting, BP4, BP7